The following is an entry in ClinVar:

ClinVar aggregate classification (germline): Uncertain significance (1 of 4 stars; one submission).

Conditions:
Hereditary breast ovarian cancer syndrome. Also called: Hereditary breast and ovarian cancer syndrome (HBOC); Hereditary breast and ovarian cancer syndrome; Breast and ovarian cancer; Hereditary breast and/or ovarian cancer syndrome; Hereditary breast and ovarian cancer; BRCA1- and BRCA2-Associated Hereditary Breast and Ovarian Cancer. Identifiers: Orphanet 145, MedGen C0677776, MeSH D061325, MONDO:0003582. Disease mechanism: loss of function.

Submission:

Labcorp Genetics (formerly Invitae), Labcorp
Classification: Uncertain significance for Hereditary breast ovarian cancer syndrome. Last evaluated: 2022-01-17. Review status: criteria provided, single submitter. Criteria: Invitae Variant Classification Sherloc (09022015). Collection method: clinical testing. Allele origin: germline.
Comment: ClinVar contains an entry for this variant (Variation ID: 462220). Advanced modeling of protein sequence and biophysical properties (such as structural, functional, and spatial information, amino acid conservation, physicochemical variation, residue mobility, and thermodynamic stability) performed at Invitae indicates that this missense variant is not expected to disrupt BRCA2 protein function. In summary, the available evidence is currently insufficient to determine the role of this variant in disease. Therefore, it has been classified as a Variant of Uncertain Significance. This variant has not been reported in the literature in individuals affected with BRCA2-related conditions. This variant is not present in population databases (gnomAD no frequency). This sequence change replaces tyrosine, which is neutral and polar, with cysteine, which is neutral and slightly polar, at codon 3379 of the BRCA2 protein (p.Tyr3379Cys).

NM_000059.4(BRCA2):c.10136A>G (p.Tyr3379Cys)

Gene: BRCA2 (BRCA2 DNA repair associated; plus strand). Cytogenetic location: 13q13.1.
Variant type: single nucleotide variant.
Coding change: c.10136A>G on transcript NM_000059.4 (MANE Select); coding-DNA position 10136, A replaced by G.
Protein change: p.Tyr3379Cys; replaces tyrosine 3379 with cysteine.
Molecular consequence: missense variant.
Genome position (GRCh38, 1-based): chr13:32,398,649, A>G. VCF-style: chr13-32398649-A-G. GRCh37 (hg19) VCF-style: chr13-32972786-A-G.
Other names: short protein forms Y3379C.
Identifiers: ClinVar variation 462220 (VCV000462220.9), dbSNP rs1412762465, ClinGen allele CA387768114.